The following is an entry in ClinVar:

NM_001040108.2(MLH3):c.3492G>A (p.Gln1164=)

Gene: MLH3 (mutL homolog 3; minus strand). Cytogenetic location: 14q24.3.
Variant type: single nucleotide variant.
Coding change: c.3492G>A on transcript NM_001040108.2 (MANE Select); coding-DNA position 3492, G replaced by A.
Protein change: p.Gln1164=; no amino-acid change (glutamine 1164 retained).
Molecular consequence: synonymous variant.
Genome position (GRCh38, 1-based): chr14:75,039,989, C>T on the plus strand (G>A on the coding strand, the complement: MLH3 is on the minus strand). VCF-style: chr14-75039989-C-T. GRCh37 (hg19) VCF-style: chr14-75506692-C-T.
Other names: c.3492G>A, p.Gln1164= (NM_014381.3).
Identifiers: ClinVar variation 1731951 (VCV001731951.3), dbSNP rs2503196210, ClinGen allele CA487176563.
Genomic context (GRCh38, chr14:75,039,989, plus strand): 5'-TCCTTTGGTGAAACGATAGGGATACAAGATGTTGTGAATTTTAACTGCTAAGCTCTCAGC[C>T]TGGCCACTGCTTACATCAACAGCAACCTAGAAAGACTCAGCAAAATATAATTGAAATTTT-3'
Protein context (NP_001035197.1, residues 1154-1174): PEVAVDVSSG[Gln1164=]AESLAVKIHN

ClinVar aggregate classification (germline): Benign/Likely benign. Review status: criteria provided, multiple submitters, no conflicts (2 of 4 stars). 2 submissions from 2 submitters: Benign (1); Likely benign (1). Last evaluated 2026-09-14.

Conditions:
Colorectal cancer, hereditary nonpolyposis, type 7. Identifiers: Orphanet 144, MedGen C1858380, MONDO:0013725, OMIM 614385.

Allele frequency attached by ClinVar (database versions not stated): gnomAD exomes below 0.00001.
gnomAD v4.1: 1 of 1,595,370 alleles (0.000063%); highest among the groups gnomAD compares: East Asian, 0.0023%; no homozygotes.

Submissions (2):

Myriad Genetics, Inc.
Classification: Benign for Colorectal cancer, hereditary nonpolyposis, type 7. Last evaluated: 2026-09-14. Review status: criteria provided, single submitter. Criteria: Myriad Autosomal Dominant, Autosomal Recessive and X-Linked Classification Criteria (2023). Collection method: clinical testing. Allele origin: unknown.
Comment: This variant is considered benign. This variant is a silent/synonymous amino acid change and it is not expected to impact splicing.

Ambry Genetics
Classification: Likely benign. Last evaluated: 2022-06-07. Review status: criteria provided, single submitter. Criteria: Ambry Variant Classification Scheme 2023. Collection method: clinical testing. Allele origin: germline.